The following is an entry in ClinVar:

NM_001165963.4(SCN1A):c.4313T>C (p.Met1438Thr)

Genes: SCN1A (sodium voltage-gated channel alpha subunit 1; minus strand), LOC102724058 (uncharacterized LOC102724058; plus strand). Cytogenetic location: 2q24.3.
Variant type: single nucleotide variant.
Coding change: c.4313T>C on transcript NM_001165963.4 (MANE Select); coding-DNA position 4313, T replaced by C.
Protein change: p.Met1438Thr; replaces methionine 1438 with threonine.
Molecular consequence: missense variant. On other transcripts: non-coding transcript variant (1).
Genome position (GRCh38, 1-based): chr2:165,999,748, A>G on the plus strand (T>C on the coding strand, the complement: SCN1A is on the minus strand). VCF-style: chr2-165999748-A-G. GRCh37 (hg19) VCF-style: chr2-166856258-A-G.
Other names: c.4229T>C, p.Met1410Thr (NM_001165964.3, NM_001353957.2, NM_001353958.2); c.4313T>C, p.Met1438Thr (NM_001202435.3, NM_001353948.2); c.4280T>C, p.Met1427Thr (NM_001353949.2, NM_001353950.2, NM_001353951.2 and 2 more transcripts); c.4277T>C, p.Met1426Thr (NM_001353954.2, NM_001353955.2); c.4226T>C, p.Met1409Thr (NM_001353960.2); c.1871T>C, p.Met624Thr (NM_001353961.2); short protein forms M1427T, M1438T, M1409T, M1426T, M1410T, M624T.
Identifiers: ClinVar variation 1393964 (VCV001393964.9), dbSNP rs796053010, ClinGen allele CA317450.

ClinVar aggregate classification (germline): Pathogenic/Likely pathogenic. Review status: criteria provided, multiple submitters, no conflicts (2 of 4 stars). 3 submissions from 3 submitters: Pathogenic (2); Likely pathogenic (1). Last evaluated 2025-06-04.

Conditions:
SCN1A-related disorder. Also called: SCN1A-related conditions; SCN1A-related condition; SCN1A-related disorders.
Early-infantile DEE. Also called: Early infantile epileptic encephalopathy; Early infantile epileptic encephalopathy with suppression bursts; Ohtahara syndrome. Identifiers: Orphanet 1934, MedGen C0393706, MONDO:0800491.
Severe myoclonic epilepsy in infancy (DRVT). Also called: SEVERE MYOCLONIC EPILEPSY OF INFANCY; DEVELOPMENTAL AND EPILEPTIC ENCEPHALOPATHY 6A; Severe Myoclonic Epilepsy in Infancy (SMEI); Epileptic encephalopathy, early infantile, 6 (Dravet syndrome); Dravet syndrome. Identifiers: Orphanet 33069, MedGen C0751122, MONDO:0100135, OMIM 607208.

Submissions (3):

Labcorp Genetics (formerly Invitae), Labcorp
Classification: Pathogenic for Early-infantile DEE. Last evaluated: 2025-06-04. Review status: criteria provided, single submitter. Criteria: Invitae Variant Classification Sherloc (09022015). Collection method: clinical testing. Allele origin: germline.
Comment: This sequence change replaces methionine, which is neutral and non-polar, with threonine, which is neutral and polar, at codon 1438 of the SCN1A protein (p.Met1438Thr). This variant is not present in population databases (gnomAD no frequency). This missense change has been observed in individual(s) with Dravet syndrome (PMID: 28079314, 30805006). In at least one individual the variant was observed to be de novo. ClinVar contains an entry for this variant (Variation ID: 1393964). Invitae Evidence Modeling of protein sequence and biophysical properties (such as structural, functional, and spatial information, amino acid conservation, physicochemical variation, residue mobility, and thermodynamic stability) indicates that this missense variant is expected to disrupt SCN1A protein function with a positive predictive value of 95%. This variant disrupts the p.Met1438 amino acid residue in SCN1A. Other variant(s) that disrupt this residue have been determined to be pathogenic (internal data). This suggests that this residue is clinically significant, and that variants that disrupt this residue are likely to be disease-causing. For these reasons, this variant has been classified as Pathogenic.

Institute of Human Genetics, University of Leipzig Medical Center
Classification: Pathogenic for Severe myoclonic epilepsy in infancy. Last evaluated: 2024-11-14. Review status: criteria provided, single submitter. Criteria: ACMG Guidelines, 2015. Collection method: clinical testing. Allele origin: unknown. Inheritance: Autosomal dominant inheritance. Affected: yes.
Comment: Criteria applied: PS2,PS4,PP3_STR,PM2_SUP

3billion
Classification: Likely pathogenic for SCN1A-related disorder. Last evaluated: 2024-10-11. Review status: criteria provided, single submitter. Criteria: ACMG Guidelines, 2015. Collection method: clinical testing. Allele origin: germline. Affected: yes.
Comment: The variant is not observed in the gnomAD v4.1.0 dataset. Predicted Consequence/Location: Missense variant In silico tool predictions suggest damaging effect of the variant on gene or gene product [REVEL: 0.96 (>=0.6, sensitivity 0.68 and specificity 0.92); 3Cnet: 0.99 (>=0.6, sensitivity 0.72 and precision 0.9)]. The same nucleotide change resulting in the same amino acid change has been previously reported to be associated with SCN1A related disorder (ClinVar ID: VCV001393964 /PMID: 28079314). The variant has been previously reported as de novo in a similarly affected individual (PMID: 28079314). Therefore, this variant is classified as Likely pathogenic according to the recommendation of ACMG/AMP guideline.

Literature cited by the submitters: PubMed 28079314 (cited by Labcorp Genetics (formerly Invitae), Labcorp and 3billion); PubMed 30805006 (cited by Labcorp Genetics (formerly Invitae), Labcorp).